The following is an entry in ClinVar:

NM_015404.4(WHRN):c.376G>A (p.Ala126Thr)

Gene: WHRN (whirlin; minus strand). Cytogenetic location: 9q32.
Variant type: single nucleotide variant.
Coding change: c.376G>A on transcript NM_015404.4 (MANE Select); coding-DNA position 376, G replaced by A.
Protein change: p.Ala126Thr; replaces alanine 126 with threonine.
Molecular consequence: missense variant.
Genome position (GRCh38, 1-based): chr9:114,504,426, C>T on the plus strand (G>A on the coding strand, the complement: WHRN is on the minus strand). VCF-style: chr9-114504426-C-T. GRCh37 (hg19) VCF-style: chr9-117266706-C-T.
Other names: c.376G>A, p.Ala126Thr (NM_001173425.2); short protein forms A126T.
Identifiers: ClinVar variation 1018742 (VCV001018742.10), dbSNP rs1444564272, ClinGen allele CA374612518.
Genomic context (GRCh38, chr9:114,504,426, plus strand): 5'-CACGCCGCAAACTCACCAGGCGCACCTCCCCTGGCCCCGCGCTGTCGGGGCCGCCCCAGG[C>T]GGGCTGCCTGTAGGGGGTGGTGGCGGGCAGGTAGAGGCCCTCGGCCGTGTATTGGTCGAA-3'
Protein context (NP_056219.3, residues 116-136): LPATTPYRQP[Ala126Thr]WGGPDSAGPG

ClinVar aggregate classification (germline): Conflicting classifications of pathogenicity. Review status: criteria provided, conflicting classifications (1 of 4 stars). 2 submissions from 2 submitters: Uncertain significance (1); Likely benign (1). Last evaluated 2022-01-07.

Allele frequency attached by ClinVar (database versions not stated): gnomAD 0.00001.
gnomAD v4.1: 12 of 1,606,324 alleles (0.00075%); highest among the groups gnomAD compares: African/African-American, 0.0013%; no homozygotes.

Submissions (2):

Labcorp Genetics (formerly Invitae), Labcorp
Classification: Uncertain significance. Last evaluated: 2022-01-07. Review status: criteria provided, single submitter. Criteria: Invitae Variant Classification Sherloc (09022015). Collection method: clinical testing. Allele origin: germline.
Comment: In summary, the available evidence is currently insufficient to determine the role of this variant in disease. Therefore, it has been classified as a Variant of Uncertain Significance. Algorithms developed to predict the effect of missense changes on protein structure and function output the following: SIFT: "Tolerated"; PolyPhen-2: "Benign"; Align-GVGD: "Class C0". The threonine amino acid residue is found in multiple mammalian species, which suggests that this missense change does not adversely affect protein function. ClinVar contains an entry for this variant (Variation ID: 1018742). This variant has not been reported in the literature in individuals affected with WHRN-related conditions. The frequency data for this variant in the population databases is considered unreliable, as metrics indicate poor data quality at this position in the gnomAD database. This sequence change replaces alanine, which is neutral and non-polar, with threonine, which is neutral and polar, at codon 126 of the WHRN protein (p.Ala126Thr).

Laboratory for Molecular Medicine, Mass General Brigham Personalized Medicine
Classification: Likely benign. Last evaluated: 2020-09-28. Review status: criteria provided, single submitter. Criteria: LMM Criteria. Collection method: clinical testing. Allele origin: germline. Observed: 1 variant allele.
Comment: The p.Ala126Thr variant in WHRN is classified as likely benign due to a lack of conservation across species. Four mammals (dolphin, killer whale, Cape elephant shrew, Cape golden mole) carry a threonine (Thr) at this position despite high nearby amino acid conservation. ACMG/AMP Criteria applied: BP4_Strong.